The following is an entry in ClinVar:

NM_001044385.3(TMEM237):c.62del (p.Pro21fs)

Gene: TMEM237 (transmembrane protein 237; minus strand). Cytogenetic location: 2q33.1.
Variant type: Deletion.
Coding change: c.62del on transcript NM_001044385.3 (MANE Select); coding-DNA position 62, one base deleted (C; older notation c.62delC).
Protein change: p.Pro21fs; shifts the reading frame from proline 21.
Molecular consequence: frameshift variant.
Genome position (GRCh38, 1-based): chr2:201,640,905, G deleted on the plus strand (C on the coding strand, the reverse complement: TMEM237 is on the minus strand); the first of 2 consecutive G bases (chr2:201,640,905-201,640,906); deleting either gives the same sequence. VCF-style (leftmost placement, unchanged base first): chr2-201640904-TG-T. GRCh37 (hg19) VCF-style: chr2-202505627-TG-T.
Other names: c.62delC (NM_001044385.2); c.38del, p.Pro13fs (NM_152388.4); short protein forms P21fs, P13fs.
Identifiers: ClinVar variation 666987 (VCV000666987.9), dbSNP rs1574587553, ClinGen allele CA915941636.

ClinVar aggregate classification (germline): Pathogenic/Likely pathogenic. Review status: criteria provided, multiple submitters, no conflicts (2 of 4 stars). 3 submissions from 3 submitters: Pathogenic (2); Likely pathogenic (1). Last evaluated 2024-03-29.

Conditions:
Joubert syndrome 14 (JBTS14). Identifiers: MedGen C3280766, MONDO:0013745, OMIM 614424.
Joubert syndrome. Also called: Familial aplasia of the vermis; CEREBELLOPARENCHYMAL DISORDER IV; JOUBERT-BOLTSHAUSER SYNDROME. Identifiers: Orphanet 475, MedGen C5979921, MONDO:0018772.

Submissions (3):

Genomic Medicine Center of Excellence, King Faisal Specialist Hospital and Research Centre
Classification: Pathogenic for Joubert syndrome 14. Last evaluated: 2024-03-29. Review status: criteria provided, single submitter. Criteria: ACMG Guidelines, 2015. Collection method: clinical testing. Allele origin: germline.

Revvity Omics, Revvity
Classification: Pathogenic for Joubert syndrome 14. Last evaluated: 2019-11-15. Review status: criteria provided, single submitter. Criteria: ACMG Guidelines, 2015. Collection method: clinical testing. Allele origin: germline.

Laboratory for Molecular Medicine, Mass General Brigham Personalized Medicine
Classification: Likely pathogenic for Joubert syndrome. Last evaluated: 2016-12-23. Review status: criteria provided, single submitter. Criteria: LMM Criteria. Collection method: clinical testing. Allele origin: germline. Inheritance: Autosomal recessive inheritance. Observed: 1 variant allele.
Comment: The p.Pro21HisfsX (NM_001044385.2 c.62delC) variant in TMEM237 has not been repo rted in the literature and was absent from large population studies. This varian t is predicted to cause a frameshift, which alters the protein?s amino acid sequ ence beginning at position 21 and leads to a premature termination codon 125 ami no acids downstream. This alteration is then predicted to lead to a truncated or absent protein. Biallelic loss of function of the TMEM237 gene has been associa ted with Joubert syndrome-related disorders. In summary, although additional stu dies are required to fully establish a null effect on the protein, the p.Pro21Hi sfsX variant in TMEM237 is likely pathogenic for Joubert syndrome-related disord ers in an autosomal recessive manner based upon its predicted functional impact.